The following is an entry in ClinVar:

ClinVar aggregate classification (germline): Uncertain significance. Review status: criteria provided, multiple submitters, no conflicts (2 of 4 stars). 2 submissions from 2 submitters: Uncertain significance (2). Last evaluated 2025-06-17.

Conditions:
Shwachman-Diamond syndrome 2. Identifiers: MedGen C4693704, MONDO:0044205, OMIM 617941.
Inborn genetic diseases. Identifiers: MedGen C0950123, MeSH D030342.

Submissions (2):

St. Jude Molecular Pathology, St. Jude Children's Research Hospital
Classification: Uncertain significance for Shwachman-Diamond syndrome 2. Last evaluated: 2025-06-17. Review status: criteria provided, single submitter. Criteria: St. Jude Assertion Criteria 2020. Collection method: clinical testing. Allele origin: germline.
Comment: The EFL1 c.2548G>A (p.Gly850Ser) missense change has a maximum subpopulation frequency of 0.0044% in gnomAD v2.1.1. The in silico tool REVEL predicts a benign effect on protein function, but to our knowledge this prediction has not been confirmed by functional studies. To our knowledge, this variant has not been reported in individuals presenting with ELF1-associated Shwachman-Diamond syndrome. In summary, the evidence currently available is insufficient to determine the clinical significance of this variant. It has therefore been classified as of uncertain significance.

Ambry Genetics
Classification: Uncertain significance for Inborn genetic diseases. Last evaluated: 2021-07-16. Review status: criteria provided, single submitter. Criteria: Ambry Variant Classification Scheme 2023. Collection method: clinical testing. Allele origin: germline.

NM_024580.6(EFL1):c.2548G>A (p.Gly850Ser)

Gene: EFL1 (elongation factor like GTPase 1; minus strand). Cytogenetic location: 15q25.2.
Variant type: single nucleotide variant.
Coding change: c.2548G>A on transcript NM_024580.6 (MANE Select); coding-DNA position 2548, G replaced by A.
Protein change: p.Gly850Ser; replaces glycine 850 with serine.
Molecular consequence: missense variant. On other transcripts: non-coding transcript variant (1).
Genome position (GRCh38, 1-based): chr15:82,151,906, C>T on the plus strand (G>A on the coding strand, the complement: EFL1 is on the minus strand). VCF-style: chr15-82151906-C-T. GRCh37 (hg19) VCF-style: chr15-82444247-C-T.
Other names: c.2395G>A, p.Gly799Ser (NM_001040610.3); c.1759G>A, p.Gly587Ser (NM_001322844.2); c.2548G>A, p.Gly850Ser (NM_001322845.2); short protein forms G850S, G587S, G799S.
Identifiers: ClinVar variation 2238105 (VCV002238105.4), dbSNP rs748785237, ClinGen allele CA7697731.